The following is an entry in ClinVar:

ClinVar aggregate classification (germline): Uncertain significance (1 of 4 stars; one submission).

Submissions (2):

GeneDx
Classification: Uncertain significance. Last evaluated: 2017-10-19. Review status: criteria provided, single submitter. Criteria: GeneDx Variant Classification (06012015). Collection method: clinical testing. Allele origin: germline. Affected: yes.
Comment: The V317F variant in the CLCN4 gene has not been reported previously as a pathogenic variant, nor as a benign variant, to our knowledge. The V317F variant is not observed in large population cohorts (Lek et al., 2016). The V317F variant is a semi-conservative amino acid substitution, which may impact secondary protein structure as these residues differ in some properties. This substitution occurs at a position that is conserved across species. In silico analysis predicts this variant is probably damaging to the protein structure/function. We interpret V317F as a variant of uncertain significance.

Dr. Peter K. Rogan Lab, Western University
No classification provided (evidence only). Condition: Thyroid cancer, nonmedullary, 1. Review status: no classification provided. Collection method: in vitro. Allele origin: not applicable. Functional consequence: retained intron. Not counted in ClinVar's aggregate classification.

NM_001830.4(CLCN4):c.949G>T (p.Val317Phe)

Gene: CLCN4 (chloride voltage-gated channel 4; plus strand). Cytogenetic location: Xp22.2.
Variant type: single nucleotide variant.
Coding change: c.949G>T on transcript NM_001830.4 (MANE Select); coding-DNA position 949, G replaced by T.
Protein change: p.Val317Phe; replaces valine 317 with phenylalanine.
Molecular consequence: missense variant.
Genome position (GRCh38, 1-based): chrX:10,208,150, G>T. VCF-style: chrX-10208150-G-T. GRCh37 (hg19) VCF-style: chrX-10176190-G-T.
Other names: NC_000023.10:g.10176190G>T; c.667G>T, p.Val223Phe (NM_001256944.2); short protein forms V317F, V223F.
Identifiers: ClinVar variation 452966 (VCV000452966.3), dbSNP rs1064796023, ClinGen allele CA412037514.